The following is an entry in ClinVar:

ClinVar aggregate classification (germline): Uncertain significance. Review status: criteria provided, multiple submitters, no conflicts (2 of 4 stars). 2 submissions from 2 submitters: Uncertain significance (2). Last evaluated 2023-10-05.

Conditions:
Wiskott-Aldrich syndrome 2 (WAS2). Also called: WIPF1 DEFICIENCY. Identifiers: Orphanet 906, MedGen C3281001, MONDO:0013779, OMIM 614493.

Allele frequency attached by ClinVar (database versions not stated): TOPMed 0.00001; gnomAD 0.00004.
gnomAD v4.1: 29 of 1,559,254 alleles (0.0019%); highest among the groups gnomAD compares: Middle Eastern, 0.052%; no homozygotes.

Submissions (2):

Blueprint Genetics
Classification: Uncertain significance. Last evaluated: 2023-10-05. Review status: criteria provided, single submitter. Criteria: ACMG Guidelines, 2015. Collection method: clinical testing. Allele origin: germline.

Labcorp Genetics (formerly Invitae), Labcorp
Classification: Uncertain significance for Wiskott-Aldrich syndrome 2. Last evaluated: 2022-08-19. Review status: criteria provided, single submitter. Criteria: Invitae Variant Classification Sherloc (09022015). Collection method: clinical testing. Allele origin: germline.
Comment: This sequence change replaces serine, which is neutral and polar, with cysteine, which is neutral and slightly polar, at codon 276 of the WIPF1 protein (p.Ser276Cys). This variant is present in population databases (rs781658089, gnomAD 0.009%). This variant has not been reported in the literature in individuals affected with WIPF1-related conditions. ClinVar contains an entry for this variant (Variation ID: 1437820). Algorithms developed to predict the effect of missense changes on protein structure and function are either unavailable or do not agree on the potential impact of this missense change (SIFT: "Not Available"; PolyPhen-2: "Possibly Damaging"; Align-GVGD: "Not Available"). In summary, the available evidence is currently insufficient to determine the role of this variant in disease. Therefore, it has been classified as a Variant of Uncertain Significance.

NM_001375834.1(WIPF1):c.827C>G (p.Ser276Cys)

Gene: WIPF1 (WAS/WASL interacting protein family member 1; minus strand). Cytogenetic location: 2q31.1.
Variant type: single nucleotide variant.
Coding change: c.827C>G on transcript NM_001375834.1 (MANE Select); coding-DNA position 827, C replaced by G.
Protein change: p.Ser276Cys; replaces serine 276 with cysteine.
Molecular consequence: missense variant.
Genome position (GRCh38, 1-based): chr2:174,571,978, G>C on the plus strand (C>G on the coding strand, the complement: WIPF1 is on the minus strand). VCF-style: chr2-174571978-G-C. GRCh37 (hg19) VCF-style: chr2-175436706-G-C.
Other names: c.827C>G, p.Ser276Cys (NM_001077269.1, NM_001375832.1, NM_001375833.1 and 5 more transcripts); c.449C>G, p.Ser150Cys (NM_001375839.1); short protein forms S150C, S276C.
Identifiers: ClinVar variation 1437820 (VCV001437820.6), dbSNP rs781658089, ClinGen allele CA1974054.